The following is an entry in ClinVar:

NM_001368397.1(FRMPD4):c.2590G>A (p.Gly864Arg)

Gene: FRMPD4 (FERM and PDZ domain containing 4; plus strand). Cytogenetic location: Xp22.2.
Variant type: single nucleotide variant.
Coding change: c.2590G>A on transcript NM_001368397.1 (MANE Select); coding-DNA position 2590, G replaced by A.
Protein change: p.Gly864Arg; replaces glycine 864 with arginine.
Molecular consequence: missense variant.
Genome position (GRCh38, 1-based): chrX:12,717,049, G>A. VCF-style: chrX-12717049-G-A. GRCh37 (hg19) VCF-style: chrX-12735168-G-A.
Other names: c.2701G>A, p.Gly901Arg (NM_001368395.3, NM_001368398.3); c.2596G>A, p.Gly866Arg (NM_001368396.3); c.2581G>A, p.Gly861Arg (NM_001368399.3); c.2470G>A, p.Gly824Arg (NM_001368400.3); c.2566G>A, p.Gly856Arg (NM_001368401.1, NM_001368402.3); c.2590G>A, p.Gly864Arg (NM_014728.3); short protein forms G824R, G901R, G856R, G866R, G861R, G864R.
Identifiers: ClinVar variation 4260008 (VCV004260008.3).

ClinVar aggregate classification (germline): Conflicting classifications of pathogenicity. Review status: criteria provided, conflicting classifications (1 of 4 stars). 2 submissions from 2 submitters: Uncertain significance (1); Likely benign (1). Last evaluated 2026-04-01.

Conditions:
Inborn genetic diseases. Identifiers: MedGen C0950123, MeSH D030342.

gnomAD v4.1: 34 of 1,208,970 alleles (0.0028%); highest among the groups gnomAD compares: East Asian, 0.077%; no homozygotes.

Submissions (2):

CeGaT Center for Human Genetics Tuebingen
Classification: Likely benign. Last evaluated: 2026-04-01. Review status: criteria provided, single submitter. Criteria: CeGaT Center For Human Genetics Tuebingen Variant Classification Criteria Version 2. Collection method: clinical testing. Allele origin: germline. Affected: yes. Observed: 1 variant allele.
Comment: FRMPD4: BP4, BS2

Ambry Genetics
Classification: Uncertain significance for Inborn genetic diseases. Last evaluated: 2025-08-14. Review status: criteria provided, single submitter. Criteria: Ambry Variant Classification Scheme 2023. Collection method: clinical testing. Allele origin: germline.